The following is an entry in ClinVar:

ClinVar aggregate classification (germline): Uncertain significance (1 of 4 stars; one submission).

Conditions:
Kabuki syndrome. Also called: Kabuki make-up syndrome; NIIKAWA-KUROKI SYNDROME. Identifiers: Orphanet 2322, MedGen C0796004, MONDO:0016512.

Allele frequency attached by ClinVar (database versions not stated): gnomAD exomes below 0.00001.
gnomAD v4.1: 1 of 1,604,730 alleles (0.000062%); highest among the groups gnomAD compares: South Asian, 0.0011%; no homozygotes.

Submission:

Labcorp Genetics (formerly Invitae), Labcorp
Classification: Uncertain significance for Kabuki syndrome. Last evaluated: 2022-04-03. Review status: criteria provided, single submitter. Criteria: Invitae Variant Classification Sherloc (09022015). Collection method: clinical testing. Allele origin: germline.
Comment: This sequence change replaces proline, which is neutral and non-polar, with serine, which is neutral and polar, at codon 1309 of the KMT2D protein (p.Pro1309Ser). This variant is not present in population databases (gnomAD no frequency). This variant has not been reported in the literature in individuals affected with KMT2D-related conditions. Advanced modeling of protein sequence and biophysical properties (such as structural, functional, and spatial information, amino acid conservation, physicochemical variation, residue mobility, and thermodynamic stability) performed at Invitae indicates that this missense variant is not expected to disrupt KMT2D protein function. In summary, the available evidence is currently insufficient to determine the role of this variant in disease. Therefore, it has been classified as a Variant of Uncertain Significance.

NM_003482.4(KMT2D):c.3925C>T (p.Pro1309Ser)

Genes: KMT2D (lysine methyltransferase 2D; minus strand), LOC126861520 (CDK7 strongly-dependent group 2 enhancer GRCh37_chr12:49442744-49443943; plus strand). Cytogenetic location: 12q13.12.
Variant type: single nucleotide variant.
Coding change: c.3925C>T on transcript NM_003482.4 (MANE Select); coding-DNA position 3925, C replaced by T.
Protein change: p.Pro1309Ser; replaces proline 1309 with serine.
Molecular consequence: missense variant.
Genome position (GRCh38, 1-based): chr12:49,049,200, G>A on the plus strand (C>T on the coding strand, the complement: KMT2D is on the minus strand). VCF-style: chr12-49049200-G-A. GRCh37 (hg19) VCF-style: chr12-49442983-G-A.
Other names: short protein forms P1309S.
Identifiers: ClinVar variation 2121093 (VCV002121093.4), dbSNP rs2120632124, ClinGen allele CA384652019.